The following is an entry in ClinVar:

ClinVar aggregate classification (germline): Likely pathogenic. Review status: criteria provided, multiple submitters, no conflicts (2 of 4 stars). 2 submissions from 2 submitters: Likely pathogenic (2). Last evaluated 2026-01-04.

Submissions (2):

GeneDx
Classification: Likely pathogenic. Last evaluated: 2026-01-04. Review status: criteria provided, single submitter. Criteria: GeneDx Variant Classification Process June 2021. Collection method: clinical testing. Allele origin: germline. Affected: yes.
Comment: Canonical splice site variant predicted to result in an in-frame loss of the adjacent exon in a gene for which loss of function is a known mechanism of disease; Not observed at significant frequency in large population cohorts (gnomAD); Has not been previously published as pathogenic or benign to our knowledge

Labcorp Genetics (formerly Invitae), Labcorp
Classification: Likely pathogenic. Last evaluated: 2024-04-08. Review status: criteria provided, single submitter. Criteria: Invitae Variant Classification Sherloc (09022015). Collection method: clinical testing. Allele origin: germline.
Comment: This sequence change affects an acceptor splice site in intron 16 of the ANK1 gene. It is expected to disrupt RNA splicing. Variants that disrupt the donor or acceptor splice site typically lead to a loss of protein function (PMID: 16199547), and loss-of-function variants in ANK1 are known to be pathogenic (PMID: 8640229). This variant is not present in population databases (gnomAD no frequency). Disruption of this splice site has been observed in individual(s) with spherocytosis (PMID: 31390973). ClinVar contains an entry for this variant (Variation ID: 1301420). Algorithms developed to predict the effect of sequence changes on RNA splicing suggest that this variant may disrupt the consensus splice site. In summary, the currently available evidence indicates that the variant is pathogenic, but additional data are needed to prove that conclusively. Therefore, this variant has been classified as Likely Pathogenic.

Literature cited by the submitters: PubMed 16199547 (cited by Labcorp Genetics (formerly Invitae), Labcorp); PubMed 8640229 (cited by Labcorp Genetics (formerly Invitae), Labcorp); PubMed 31390973 (cited by Labcorp Genetics (formerly Invitae), Labcorp).

NM_000037.4(ANK1):c.1801-2A>T

Gene: ANK1 (ankyrin 1; minus strand). Cytogenetic location: 8p11.21.
Variant type: single nucleotide variant.
Coding change: c.1801-2A>T on transcript NM_000037.4 (MANE Select); the canonical splice acceptor site of the intron before coding-DNA position 1801, A replaced by T.
Molecular consequence: splice acceptor variant.
Genome position (GRCh38, 1-based): chr8:41,708,977, T>A on the plus strand (A>T on the coding strand, the complement: ANK1 is on the minus strand). VCF-style: chr8-41708977-T-A. GRCh37 (hg19) VCF-style: chr8-41566495-T-A.
Other names: c.1900-2A>T (NM_001142446.2); c.1801-2A>T (NM_020477.3, NM_020475.3, NM_020476.3).
Identifiers: ClinVar variation 1301420 (VCV001301420.5), dbSNP rs2150622028, ClinGen allele CA371068377.
Genomic context (GRCh38, chr8:41,708,977, plus strand): 5'-CTACGGGCCACCTCCACCTGGTTCTGCTTGGCAGCGATGTGCAAAGGGGTGTAGCCATTC[T>A]GAAACAGAAGAAGCCGCCCAGAGCCTGGTTACAGGAATGCTGAGCTGACAATATCAACAC-3'